The following is an entry in ClinVar:

NM_000540.3(RYR1):c.12628_12630del (p.Lys4210del)

Gene: RYR1 (ryanodine receptor 1; plus strand). Cytogenetic location: 19q13.2.
Variant type: Deletion.
Coding change: c.12628_12630del on transcript NM_000540.3 (MANE Select); coding-DNA positions 12628 to 12630, 3 bases deleted (AAG; older notation c.12628_12630delAAG).
Protein change: p.Lys4210del; deletes lysine 4210.
Molecular consequence: inframe deletion.
Genome position (GRCh38, 1-based): chr19:38,564,962-38,564,964, AAG deleted; deleting any 3 consecutive bases within chr19:38,564,961-38,564,964 gives the same sequence; the c. name uses the placement nearest the transcript's 3' end. VCF-style (leftmost placement, unchanged base first): chr19-38564960-TGAA-T. GRCh37 (hg19) VCF-style: chr19-39055600-TGAA-T.
Other names: c.12613_12615del, p.Lys4205del (NM_001042723.2); short protein forms K4210del, K4205del.
Identifiers: ClinVar variation 2027506 (VCV002027506.4), dbSNP rs2514673773, ClinGen allele CA2500957471.

ClinVar aggregate classification (germline): Uncertain significance (1 of 4 stars; one submission).

Conditions:
RYR1-related disorder. Also called: RYR1-related condition; RYR1-related disorders. Identifiers: MedGen CN239331.

Submission:

Labcorp Genetics (formerly Invitae), Labcorp
Classification: Uncertain significance for RYR1-related disorder. Last evaluated: 2024-08-28. Review status: criteria provided, single submitter. Criteria: Invitae Variant Classification Sherloc (09022015). Collection method: clinical testing. Allele origin: germline.
Comment: This variant, c.12628_12630del, results in the deletion of 1 amino acid(s) of the RYR1 protein (p.Lys4210del), but otherwise preserves the integrity of the reading frame. This variant is not present in population databases (gnomAD no frequency). This variant has not been reported in the literature in individuals affected with RYR1-related conditions. ClinVar contains an entry for this variant (Variation ID: 2027506). Experimental studies and prediction algorithms are not available or were not evaluated, and the functional significance of this variant is currently unknown. In summary, the available evidence is currently insufficient to determine the role of this variant in disease. Therefore, it has been classified as a Variant of Uncertain Significance.